The following is an entry in ClinVar:

NM_000057.4(BLM):c.769T>C (p.Ser257Pro)

Gene: BLM (BLM RecQ like helicase; plus strand). Cytogenetic location: 15q26.1.
Variant type: single nucleotide variant.
Coding change: c.769T>C on transcript NM_000057.4 (MANE Select); coding-DNA position 769, T replaced by C.
Protein change: p.Ser257Pro; replaces serine 257 with proline.
Molecular consequence: missense variant. On other transcripts: 5 prime UTR variant (1).
Genome position (GRCh38, 1-based): chr15:90,750,037, T>C. VCF-style: chr15-90750037-T-C. GRCh37 (hg19) VCF-style: chr15-91293267-T-C.
Other names: c.769T>C, p.Ser257Pro (NM_001287246.2, NM_001287247.2); c.-523T>C (NM_001287248.2); short protein forms S257P.
Identifiers: ClinVar variation 3224903 (VCV003224903.1), dbSNP rs2505395014, ClinGen allele CA393841523.

ClinVar aggregate classification (germline): Uncertain significance (1 of 4 stars; one submission).

Conditions:
Hereditary cancer-predisposing syndrome. Also called: Neoplastic Syndromes, Hereditary; Tumor predisposition; Hereditary neoplastic syndrome; Hereditary Cancer Syndrome. Identifiers: Orphanet 140162, MedGen C0027672, MeSH D009386, MONDO:0015356.

Submission:

Ambry Genetics
Classification: Uncertain significance for Hereditary cancer-predisposing syndrome. Last evaluated: 2023-10-25. Review status: criteria provided, single submitter. Criteria: Ambry Variant Classification Scheme 2023. Collection method: clinical testing. Allele origin: germline.
Comment: The p.S257P variant (also known as c.769T>C), located in coding exon 2 of the BLM gene, results from a T to C substitution at nucleotide position 769. The serine at codon 257 is replaced by proline, an amino acid with similar properties. This amino acid position is conserved. In addition, this alteration is predicted to be tolerated by in silico analysis. Since supporting evidence is limited at this time, the clinical significance of this alteration remains unclear.